The following is an entry in ClinVar:

ClinVar aggregate classification (germline): Uncertain significance. Review status: criteria provided, multiple submitters, no conflicts (2 of 4 stars). 2 submissions from 2 submitters: Uncertain significance (2). Last evaluated 2025-07-19.

Conditions:
Hereditary cancer-predisposing syndrome. Also called: Hereditary Cancer Syndrome; Hereditary neoplastic syndrome; Neoplastic Syndromes, Hereditary; Tumor predisposition. Identifiers: Orphanet 140162, MedGen C0027672, MeSH D009386, MONDO:0015356.
Oligodontia-cancer predisposition syndrome. Also called: TOOTH AGENESIS-COLORECTAL CANCER SYNDROME. Identifiers: Orphanet 300576, MedGen C1837750, MONDO:0012075, OMIM 608615. Disease mechanism: loss of function.

Allele frequency attached by ClinVar (database versions not stated): gnomAD exomes 0.00001; TOPMed 0.00001.
gnomAD v4.1: 9 of 1,568,026 alleles (0.00057%); highest among the groups gnomAD compares: South Asian, 0.0011%; no homozygotes.

Submissions (2):

Ambry Genetics
Classification: Uncertain significance for Hereditary cancer-predisposing syndrome. Last evaluated: 2025-07-19. Review status: criteria provided, single submitter. Criteria: Ambry Variant Classification Scheme 2023. Collection method: clinical testing. Allele origin: germline.
Comment: The p.Y460C variant (also known as c.1379A>G), located in coding exon 5 of the AXIN2 gene, results from an A to G substitution at nucleotide position 1379. The tyrosine at codon 460 is replaced by cysteine, an amino acid with highly dissimilar properties. This amino acid position is not well conserved in available vertebrate species. In addition, this alteration is predicted to be tolerated by in silico analysis. Since supporting evidence is limited at this time, the clinical significance of this alteration remains unclear.

Labcorp Genetics (formerly Invitae), Labcorp
Classification: Uncertain significance for Oligodontia-cancer predisposition syndrome. Last evaluated: 2025-06-15. Review status: criteria provided, single submitter. Criteria: Invitae Variant Classification Sherloc (09022015). Collection method: clinical testing. Allele origin: germline.
Comment: This sequence change replaces tyrosine, which is neutral and polar, with cysteine, which is neutral and slightly polar, at codon 460 of the AXIN2 protein (p.Tyr460Cys). This variant is present in population databases (no rsID available, gnomAD 0.001%). This variant has not been reported in the literature in individuals affected with AXIN2-related conditions. ClinVar contains an entry for this variant (Variation ID: 408796). An algorithm developed to predict the effect of missense changes on protein structure and function (PolyPhen-2) suggests that this variant is likely to be disruptive. In summary, the available evidence is currently insufficient to determine the role of this variant in disease. Therefore, it has been classified as a Variant of Uncertain Significance.

NM_004655.4(AXIN2):c.1379A>G (p.Tyr460Cys)

Gene: AXIN2 (axin 2; minus strand). Cytogenetic location: 17q24.1.
Variant type: single nucleotide variant.
Coding change: c.1379A>G on transcript NM_004655.4 (MANE Select); coding-DNA position 1379, A replaced by G.
Protein change: p.Tyr460Cys; replaces tyrosine 460 with cysteine.
Molecular consequence: missense variant.
Genome position (GRCh38, 1-based): chr17:65,537,657, T>C on the plus strand (A>G on the coding strand, the complement: AXIN2 is on the minus strand). VCF-style: chr17-65537657-T-C. GRCh37 (hg19) VCF-style: chr17-63533775-T-C.
Other names: c.1379A>G (LRG_296t1); c.1379A>G, p.Tyr460Cys (NM_001363813.1); short protein forms Y460C.
Identifiers: ClinVar variation 408796 (VCV000408796.12), dbSNP rs1032366089, ClinGen allele CA16615568.